The following is an entry in ClinVar:

ClinVar aggregate classification (germline): Benign. Review status: criteria provided, multiple submitters, no conflicts (2 of 4 stars). 8 submissions from 8 submitters: Benign (8). Last evaluated 2026-02-03.

Conditions:
Inborn genetic diseases. Identifiers: MedGen C0950123, MeSH D030342.
Developmental and epileptic encephalopathy 94 (DEE94). Also called: Epileptic encephalopathy, childhood-onset; CHD2-Related Neurodevelopmental Disorders. Identifiers: Orphanet 1942, Orphanet 2382, MedGen C3809278, MONDO:0014150, OMIM 615369.

Allele frequency attached by ClinVar (database versions not stated): 1000 Genomes Project 30x 0.01359; 1000 Genomes Project 0.01478; TOPMed 0.02914; ESP Exome Variant Server 0.03911; gnomAD 0.04182 and 0.04350; gnomAD exomes 0.04409 and 0.05127; ExAC 0.04599.

Submissions (8):

Labcorp Genetics (formerly Invitae), Labcorp
Classification: Benign for Developmental and epileptic encephalopathy 94. Last evaluated: 2026-02-03. Review status: criteria provided, single submitter. Criteria: Invitae Variant Classification Sherloc (09022015). Collection method: clinical testing. Allele origin: germline.

Blueprint Genetics
Classification: Benign. Last evaluated: 2024-11-27. Review status: criteria provided, single submitter. Criteria: ACMG Guidelines, 2015. Collection method: clinical testing. Allele origin: germline.

Mayo Clinic Laboratories, Mayo Clinic
Classification: Benign. Last evaluated: 2018-04-10. Review status: criteria provided, single submitter. Criteria: ACMG Guidelines, 2015. Collection method: clinical testing. Allele origin: germline. Observed: 22 variant alleles.

Athena Diagnostics
Classification: Benign. Last evaluated: 2017-08-09. Review status: criteria provided, single submitter. Criteria: Athena Diagnostics Criteria. Collection method: clinical testing. Allele origin: germline.

Ambry Genetics
Classification: Benign for Inborn genetic diseases. Last evaluated: 2016-04-26. Review status: criteria provided, single submitter. Criteria: Ambry Variant Classification Scheme 2023. Collection method: clinical testing. Allele origin: germline.

GeneDx
Classification: Benign. Last evaluated: 2016-01-18. Review status: criteria provided, single submitter. Criteria: GeneDx Variant Classification (06012015). Collection method: clinical testing. Allele origin: germline. Affected: yes.
Comment: This variant is considered likely benign or benign based on one or more of the following criteria: it is a conservative change, it occurs at a poorly conserved position in the protein, it is predicted to be benign by multiple in silico algorithms, and/or has population frequency not consistent with disease.

Breakthrough Genomics
Classification: Benign. Review status: criteria provided, single submitter. Criteria: ACMG Guidelines, 2015. Collection method: not provided. Allele origin: germline. Inheritance: Autosomal dominant inheritance. Affected: yes.

PreventionGenetics, part of Exact Sciences
Classification: Benign. Review status: criteria provided, single submitter. Criteria: ACMG Guidelines, 2015. Collection method: clinical testing. Allele origin: germline.

NM_001271.4(CHD2):c.4527C>T (p.Ile1509=)

Gene: CHD2 (chromodomain helicase DNA binding protein 2; plus strand). Cytogenetic location: 15q26.1.
Variant type: single nucleotide variant.
Coding change: c.4527C>T on transcript NM_001271.4 (MANE Select); coding-DNA position 4527, C replaced by T.
Protein change: p.Ile1509=; no amino-acid change (isoleucine 1509 retained).
Molecular consequence: synonymous variant.
Genome position (GRCh38, 1-based): chr15:93,009,258, C>T. VCF-style: chr15-93009258-C-T. GRCh37 (hg19) VCF-style: chr15-93552488-C-T.
Other names: p.Ile1509=.
Identifiers: ClinVar variation 257711 (VCV000257711.20), dbSNP rs34315566, ClinGen allele CA7748492.